The following is an entry in ClinVar:

ClinVar aggregate classification (germline): Uncertain significance (1 of 4 stars; one submission).

Conditions:
Episodic ataxia type 2 (EA2). Also called: CEREBELLAR ATAXIA, PAROXYSMAL, ACETAZOLAMIDE-RESPONSIVE; CEREBELLOPATHY, HEREDITARY PAROXYSMAL; EPISODIC ATAXIA, NYSTAGMUS-ASSOCIATED; ACETAZOLAMIDE-RESPONSIVE HEREDITARY PAROXYSMAL CEREBELLAR ATAXIA; ATAXIA, EPISODIC, WITH NYSTAGMUS; ATAXIA, FAMILIAL PAROXYSMAL. Identifiers: Orphanet 97, MedGen C1720416, MONDO:0007163, OMIM 108500.
Developmental and epileptic encephalopathy, 42 (DEE42A). Also called: Epileptic encephalopathy, early infantile, 42; DEVELOPMENTAL AND EPILEPTIC ENCEPHALOPATHY 42A; EPILEPTIC ENCEPHALOPATHY, EARLY INFANTILE, 42A. Identifiers: MedGen C4310716, MONDO:0014917, OMIM 617106.

Submission:

Labcorp Genetics (formerly Invitae), Labcorp
Classification: Uncertain significance for Developmental and epileptic encephalopathy, 42; Episodic ataxia type 2. Last evaluated: 2023-03-20. Review status: criteria provided, single submitter. Criteria: Invitae Variant Classification Sherloc (09022015). Collection method: clinical testing. Allele origin: germline.
Comment: This variant is not present in population databases (gnomAD no frequency). This variant has not been reported in the literature in individuals affected with CACNA1A-related conditions. Advanced modeling of protein sequence and biophysical properties (such as structural, functional, and spatial information, amino acid conservation, physicochemical variation, residue mobility, and thermodynamic stability) has been performed at Invitae for this missense variant, however the output from this modeling did not meet the statistical confidence thresholds required to predict the impact of this variant on CACNA1A protein function. In summary, the available evidence is currently insufficient to determine the role of this variant in disease. Therefore, it has been classified as a Variant of Uncertain Significance. This sequence change replaces methionine, which is neutral and non-polar, with leucine, which is neutral and non-polar, at codon 1881 of the CACNA1A protein (p.Met1881Leu).

NM_001127222.2(CACNA1A):c.5638A>C (p.Met1880Leu)

Gene: CACNA1A (calcium voltage-gated channel subunit alpha1 A; minus strand). Cytogenetic location: 19p13.13.
Variant type: single nucleotide variant.
Coding change: c.5638A>C on transcript NM_001127222.2 (MANE Select); coding-DNA position 5638, A replaced by C.
Protein change: p.Met1880Leu; replaces methionine 1880 with leucine.
Molecular consequence: missense variant.
Genome position (GRCh38, 1-based): chr19:13,224,760, T>G on the plus strand (A>C on the coding strand, the complement: CACNA1A is on the minus strand). VCF-style: chr19-13224760-T-G. GRCh37 (hg19) VCF-style: chr19-13335574-T-G.
Other names: c.5656A>C, p.Met1886Leu (NM_000068.4, NM_023035.3); c.5641A>C, p.Met1881Leu (NM_001127221.2); c.5647A>C, p.Met1883Leu (NM_001174080.2); short protein forms M1881L, M1883L, M1880L, M1886L.
Identifiers: ClinVar variation 2945303 (VCV002945303.3), dbSNP rs2512590075, ClinGen allele CA404337256.